The following is an entry in ClinVar:

NM_003839.4(TNFRSF11A):c.1721C>T (p.Thr574Ile)

Gene: TNFRSF11A (TNF receptor superfamily member 11a; plus strand). Cytogenetic location: 18q21.33.
Variant type: single nucleotide variant.
Coding change: c.1721C>T on transcript NM_003839.4 (MANE Select); coding-DNA position 1721, C replaced by T.
Protein change: p.Thr574Ile; replaces threonine 574 with isoleucine.
Molecular consequence: missense variant. On other transcripts: 3 prime UTR variant (1).
Genome position (GRCh38, 1-based): chr18:62,384,904, C>T. VCF-style: chr18-62384904-C-T. GRCh37 (hg19) VCF-style: chr18-60052137-C-T.
Other names: c.1721C>T (NM_003839.2); c.*145C>T (NM_001270949.2); c.884C>T, p.Thr295Ile (NM_001270950.2); c.770C>T, p.Thr257Ile (NM_001270951.2); c.1679C>T, p.Thr560Ile (NM_001278268.2); short protein forms T257I, T574I, T295I, T560I.
Identifiers: ClinVar variation 1361107 (VCV001361107.9), dbSNP rs747875327, ClinGen allele CA8984044.
Genomic context (GRCh38, chr18:62,384,904, plus strand): 5'-CCTCGCAGGAGGGCGCGGCGGCGGCTGCGGAGCCCATGGGCCGCCCGGTGCAGGAGGAGA[C>T]CCTGGCGCGCCGAGACTCCTTCGCGGGGAACGGCCCGCGCTTCCCGGACCCGTGCGGCGG-3'
Protein context (NP_003830.1, residues 564-584): EPMGRPVQEE[Thr574Ile]LARRDSFAGN

ClinVar aggregate classification (germline): Uncertain significance. Review status: criteria provided, multiple submitters, no conflicts (2 of 4 stars). 2 submissions from 2 submitters: Uncertain significance (2). Last evaluated 2025-07-16.

Conditions:
Inborn genetic diseases. Identifiers: MedGen C0950123, MeSH D030342.

Allele frequency attached by ClinVar (database versions not stated): gnomAD exomes 0.00002; ExAC 0.00003; TOPMed 0.00005.
gnomAD v4.1: 39 of 1,571,802 alleles (0.0025%); highest among the groups gnomAD compares: Non-Finnish European, 0.0033%; no homozygotes.

Submissions (2):

Labcorp Genetics (formerly Invitae), Labcorp
Classification: Uncertain significance. Last evaluated: 2025-07-16. Review status: criteria provided, single submitter. Criteria: Invitae Variant Classification Sherloc (09022015). Collection method: clinical testing. Allele origin: germline.
Comment: This sequence change replaces threonine, which is neutral and polar, with isoleucine, which is neutral and non-polar, at codon 574 of the TNFRSF11A protein (p.Thr574Ile). This variant is present in population databases (rs747875327, gnomAD 0.006%). This variant has not been reported in the literature in individuals affected with TNFRSF11A-related conditions. ClinVar contains an entry for this variant (Variation ID: 1361107). An algorithm developed to predict the effect of missense changes on protein structure and function (PolyPhen-2) suggests that this variant is likely to be disruptive. In summary, the available evidence is currently insufficient to determine the role of this variant in disease. Therefore, it has been classified as a Variant of Uncertain Significance.

Ambry Genetics
Classification: Uncertain significance for Inborn genetic diseases. Last evaluated: 2024-12-12. Review status: criteria provided, single submitter. Criteria: Ambry Variant Classification Scheme 2023. Collection method: clinical testing. Allele origin: germline.